The following is an entry in ClinVar:

ClinVar aggregate classification (germline): Conflicting classifications of pathogenicity. Review status: criteria provided, conflicting classifications (1 of 4 stars). 3 submissions from 3 submitters: Uncertain significance (2); Likely benign (1). Last evaluated 2023-04-01.

Allele frequency attached by ClinVar (database versions not stated): gnomAD exomes 0.00010 and 0.00019; ExAC 0.00016; gnomAD 0.00016 and 0.00017; TOPMed 0.00019; 1000 Genomes Project 0.00020; ESP Exome Variant Server 0.00023; 1000 Genomes Project 30x 0.00031.
gnomAD v4.1: 193 of 1,614,080 alleles (0.012%); highest among the groups gnomAD compares: Admixed American, 0.04%; 1 homozygote.

Submissions (3):

CeGaT Center for Human Genetics Tuebingen
Classification: Uncertain significance. Last evaluated: 2023-04-01. Review status: criteria provided, single submitter. Criteria: CeGaT Center For Human Genetics Tuebingen Variant Classification Criteria Version 2. Collection method: clinical testing. Allele origin: germline. Affected: yes. Observed: 1 variant allele.

GeneDx
Classification: Uncertain significance. Last evaluated: 2022-04-25. Review status: criteria provided, single submitter. Criteria: GeneDx Variant Classification Process June 2021. Collection method: clinical testing. Allele origin: germline. Affected: yes.
Comment: Observed with a second variant on the opposite allele (in trans) in a single patient with nonsyndromic dysfunctional voiding without UFS facial features (Stuart et al., 2013); In silico analysis supports that this missense variant has a deleterious effect on protein structure/function; This variant is associated with the following publications: (PMID: 30885509, 23313374)

Labcorp Genetics (formerly Invitae), Labcorp
Classification: Likely benign. Last evaluated: 2019-12-31. Review status: criteria provided, single submitter. Criteria: Invitae Variant Classification Sherloc (09022015). Collection method: clinical testing. Allele origin: germline.

NM_014813.3(LRIG2):c.1648C>T (p.Arg550Cys)

Gene: LRIG2 (leucine rich repeats and immunoglobulin like domains 2; plus strand). Cytogenetic location: 1p13.2.
Variant type: single nucleotide variant.
Coding change: c.1648C>T on transcript NM_014813.3 (MANE Select); coding-DNA position 1648, C replaced by T.
Protein change: p.Arg550Cys; replaces arginine 550 with cysteine.
Molecular consequence: missense variant.
Genome position (GRCh38, 1-based): chr1:113,110,412, C>T. VCF-style: chr1-113110412-C-T. GRCh37 (hg19) VCF-style: chr1-113653034-C-T.
Other names: c.1339C>T, p.Arg447Cys (NM_001312686.2); short protein forms R447C, R550C.
Identifiers: ClinVar variation 766443 (VCV000766443.30), dbSNP rs201326654, ClinGen allele CA1012048.
Genomic context (GRCh38, chr1:113,110,412, plus strand): 5'-TCCACTGTGTGGCGCAAAGACAGTGAAATCCTGTATGACGTGGATACTGAGAATTTTGTT[C>T]GTTATTGGCAGCAAGCTGGAGAAGCTCTGGAATATACTAGTATCTTACATCTTTTCAATG-3'
Protein context (NP_055628.1, residues 540-560): LYDVDTENFV[Arg550Cys]YWQQAGEALE